The following is an entry in ClinVar:

ClinVar aggregate classification (germline): Uncertain significance (1 of 4 stars; one submission).

Submission:

Ambry Genetics
Classification: Uncertain significance. Last evaluated: 2026-03-18. Review status: criteria provided, single submitter. Criteria: Ambry Variant Classification Scheme 2023. Collection method: clinical testing. Allele origin: germline.
Comment: The p.S795C variant (also known as c.2383A>T), located in coding exon 1 of the TET2 gene, results from an A to T substitution at nucleotide position 2383. The serine at codon 795 is replaced by cysteine, an amino acid with dissimilar properties. This amino acid position is conserved. In addition, this alteration is predicted to be tolerated by in silico analysis. Based on the available evidence, the clinical significance of this variant remains unclear.

NM_001127208.3(TET2):c.2383A>T (p.Ser795Cys)

Genes: TET2 (tet methylcytosine dioxygenase 2; plus strand), TET2-AS1 (TET2 antisense RNA 1; minus strand). Cytogenetic location: 4q24.
Variant type: single nucleotide variant.
Coding change: c.2383A>T on transcript NM_001127208.3 (MANE Select); coding-DNA position 2383, A replaced by T.
Protein change: p.Ser795Cys; replaces serine 795 with cysteine.
Molecular consequence: missense variant.
Genome position (GRCh38, 1-based): chr4:105,236,325, A>T. VCF-style: chr4-105236325-A-T. GRCh37 (hg19) VCF-style: chr4-106157482-A-T.
Other names: c.2383A>T, p.Ser795Cys (NM_017628.4); short protein forms S795C.
Identifiers: ClinVar variation 4865498 (VCV004865498.1).